The following is an entry in ClinVar:

ClinVar aggregate classification (germline): Uncertain significance (1 of 4 stars; one submission).

Conditions:
Inborn genetic diseases. Identifiers: MedGen C0950123, MeSH D030342.

Submission:

Ambry Genetics
Classification: Uncertain significance for Inborn genetic diseases. Last evaluated: 2024-10-05. Review status: criteria provided, single submitter. Criteria: Ambry Variant Classification Scheme 2023. Collection method: clinical testing. Allele origin: germline.
Comment: The p.S290A variant (also known as c.868T>G), located in coding exon 2 of the GATA2 gene, results from a T to G substitution at nucleotide position 868. The serine at codon 290 is replaced by alanine, an amino acid with similar properties. This amino acid position is conserved. In addition, the in silico prediction for this alteration is inconclusive. Based on the available evidence, the clinical significance of this variant remains unclear.

NM_032638.5(GATA2):c.868T>G (p.Ser290Ala)

Gene: GATA2 (GATA binding protein 2; minus strand). Cytogenetic location: 3q21.3.
Variant type: single nucleotide variant.
Coding change: c.868T>G on transcript NM_032638.5 (MANE Select); coding-DNA position 868, T replaced by G.
Protein change: p.Ser290Ala; replaces serine 290 with alanine.
Molecular consequence: missense variant.
Genome position (GRCh38, 1-based): chr3:128,485,730, A>C on the plus strand (T>G on the coding strand, the complement: GATA2 is on the minus strand). VCF-style: chr3-128485730-A-C. GRCh37 (hg19) VCF-style: chr3-128204573-A-C.
Other names: c.868T>G, p.Ser290Ala (NM_001145661.2, NM_001145662.1); short protein forms S290A.
Identifiers: ClinVar variation 3518995 (VCV003518995.1).
Genomic context (GRCh38, chr3:128,485,730, plus strand): 5'-CACCACAAAAACGCAAATGCTCCCCTCTTCCACGAAGTCCCCAGCACCTGCCTTTACCTG[A>C]ACAGGAACGAGCCTTGCTGCGCTGCTTAGGGGTGAAGCTGGAGGCCGGTCCCCCCAGGAA-3'
Protein context (NP_116027.2, residues 280-300): PKQRSKARSC[Ser290Ala]EGRECVNCGA